The following is an entry in ClinVar:

ClinVar aggregate classification (germline): Likely benign. Review status: criteria provided, multiple submitters, no conflicts (2 of 4 stars). 4 submissions from 4 submitters: Likely benign (3). 1 of the submissions does not count toward it. Last evaluated 2025-12-26.

Conditions:
Autosomal recessive polycystic kidney disease (ARPKD). Also called: AR polycystic kidney disease. Identifiers: Orphanet 731, Orphanet 8378, MedGen C0085548, MeSH D017044, MONDO:0009889.
PKHD1-related disorder. Also called: PKHD1-related condition.

Allele frequency attached by ClinVar (database versions not stated): ExAC 0.00002; gnomAD exomes 0.00004 and 0.00013; gnomAD 0.00007; TOPMed 0.00008; ESP Exome Variant Server 0.00023.
gnomAD v4.1: 207 of 1,613,716 alleles (0.013%); highest among the groups gnomAD compares: Non-Finnish European, 0.016%; no homozygotes.

Submissions (4):

Labcorp Genetics (formerly Invitae), Labcorp
Classification: Likely benign for Autosomal recessive polycystic kidney disease. Last evaluated: 2025-12-26. Review status: criteria provided, single submitter. Criteria: Invitae Variant Classification Sherloc (09022015). Collection method: clinical testing. Allele origin: germline.

CeGaT Center for Human Genetics Tuebingen
Classification: Likely benign. Last evaluated: 2025-09-01. Review status: criteria provided, single submitter. Criteria: CeGaT Center For Human Genetics Tuebingen Variant Classification Criteria Version 2. Collection method: clinical testing. Allele origin: germline. Affected: yes. Observed: 1 variant allele.
Comment: PKHD1: BP4, BP7

Blueprint Genetics
Classification: Likely benign. Last evaluated: 2023-12-04. Review status: criteria provided, single submitter. Criteria: ACMG Guidelines, 2015. Collection method: clinical testing. Allele origin: germline.

PreventionGenetics, part of Exact Sciences
Classification: Likely benign for PKHD1-related condition. Last evaluated: 2022-01-18. Review status: no assertion criteria provided. Collection method: clinical testing. Allele origin: germline. Not counted in ClinVar's aggregate classification.
Comment: This variant is classified as likely benign based on ACMG/AMP sequence variant interpretation guidelines (Richards et al. 2015 PMID: 25741868, with internal and published modifications).

NM_138694.4(PKHD1):c.10413C>G (p.Val3471=)

Gene: PKHD1 (PKHD1 ciliary IPT domain containing fibrocystin/polyductin; minus strand). Cytogenetic location: 6p12.3.
Variant type: single nucleotide variant.
Coding change: c.10413C>G on transcript NM_138694.4 (MANE Select); coding-DNA position 10413, C replaced by G.
Protein change: p.Val3471=; no amino-acid change (valine 3471 retained).
Molecular consequence: synonymous variant.
Genome position (GRCh38, 1-based): chr6:51,659,713, G>C on the plus strand (C>G on the coding strand, the complement: PKHD1 is on the minus strand). VCF-style: chr6-51659713-G-C. GRCh37 (hg19) VCF-style: chr6-51524511-G-C.
Other names: c.10413C>G (NM_138694.3).
Identifiers: ClinVar variation 1138596 (VCV001138596.20), dbSNP rs147440122, ClinGen allele CA3851082.